The following is an entry in ClinVar:

ClinVar aggregate classification (germline): Likely benign. Review status: criteria provided, multiple submitters, no conflicts (2 of 4 stars). 2 submissions from 2 submitters: Likely benign (2). Last evaluated 2025-09-01.

gnomAD v4.1: 97 of 1,614,130 alleles (0.006%); highest among the groups gnomAD compares: East Asian, 0.16%; no homozygotes.

Submissions (2):

CeGaT Center for Human Genetics Tuebingen
Classification: Likely benign. Last evaluated: 2025-09-01. Review status: criteria provided, single submitter. Criteria: CeGaT Center For Human Genetics Tuebingen Variant Classification Criteria Version 2. Collection method: clinical testing. Allele origin: germline. Affected: yes. Observed: 1 variant allele.
Comment: PDE11A: BS1

Blueprint Genetics
Classification: Likely benign. Last evaluated: 2023-12-14. Review status: criteria provided, single submitter. Criteria: ACMG Guidelines, 2015. Collection method: clinical testing. Allele origin: germline.

NM_016953.4(PDE11A):c.708C>A (p.Asp236Glu)

Gene: PDE11A (phosphodiesterase 11A; minus strand). Cytogenetic location: 2q31.2.
Variant type: single nucleotide variant.
Coding change: c.708C>A on transcript NM_016953.4 (MANE Select); coding-DNA position 708, C replaced by A.
Protein change: p.Asp236Glu; replaces aspartic acid 236 with glutamic acid.
Molecular consequence: missense variant. On other transcripts: intron variant (1).
Genome position (GRCh38, 1-based): chr2:178,071,730, G>T on the plus strand (C>A on the coding strand, the complement: PDE11A is on the minus strand). VCF-style: chr2-178071730-G-T. GRCh37 (hg19) VCF-style: chr2-178936457-G-T.
Other names: c.162+32572C>A (NM_001077197.2); short protein forms D236E.
Identifiers: ClinVar variation 4281107 (VCV004281107.8).
Genomic context (GRCh38, chr2:178,071,730, plus strand): 5'-TTTGGAGACCAAGGTCTTCTTGCCAGCAGCTGCCCCTTCCACCAGGAAAAGAGAGCAGCG[G>T]TCAGCATCCACCATAAGGCAGACAAAGATGAGAATCTTGTAGCTCAGGCTGGTGAGGTCA-3'
Protein context (NP_058649.3, residues 226-246): LIFVCLMVDA[Asp236Glu]RCSLFLVEGA